The following is an entry in ClinVar:

ClinVar aggregate classification (germline): Likely benign. Review status: criteria provided, multiple submitters, no conflicts (2 of 4 stars). 3 submissions from 3 submitters: Likely benign (3). Last evaluated 2025-12-01.

Conditions:
PLEC-related disorder. Also called: PLEC-related disorders; PLEC-related condition.
Epidermolysis bullosa simplex with nail dystrophy (EBS5D). Identifiers: MedGen C4225309, MONDO:0014661, OMIM 616487.
Epidermolysis bullosa simplex, Ogna type (EBS5A). Also called: Pidermolysis bullosa simplex 5A, Ogna type; EPIDERMOLYSIS BULLOSA SIMPLEX 5A, OGNA TYPE. Identifiers: Orphanet 79401, MedGen C0432317, MONDO:0007555, OMIM 131950.
Epidermolysis bullosa simplex 5C, with pyloric atresia (EBS5C). Also called: PLEC1-Related Epidermolysis Bullosa with Pyloric Atresia; PLEC-Related Epidermolysis Bullosa with Pyloric Atresia; Epidermolysis bullosa simplex with pyloric atresia. Identifiers: Orphanet 158684, MedGen C2677349, MONDO:0012807, OMIM 612138.
Epidermolysis bullosa simplex 5B, with muscular dystrophy (EBS5B). Also called: Epidermolysis bullosa simplex with muscular dystrophy; EPIDERMOLYSIS BULLOSA SIMPLEX AND LIMB-GIRDLE MUSCULAR DYSTROPHY. Identifiers: Orphanet 257, MedGen C2931072, MONDO:0009181, OMIM 226670.
Autosomal recessive limb-girdle muscular dystrophy type 2Q (LGMDR17). Also called: MUSCULAR DYSTROPHY, LIMB-GIRDLE, AUTOSOMAL RECESSIVE 17. Identifiers: Orphanet 254361, MedGen C3150989, MONDO:0013390, OMIM 613723.

Allele frequency attached by ClinVar (database versions not stated): gnomAD 0.00003; gnomAD exomes 0.00006; ExAC 0.00007.
gnomAD v4.1: 170 of 1,599,516 alleles (0.011%); highest among the groups gnomAD compares: South Asian, 0.022%; no homozygotes.

Submissions (3):

Labcorp Genetics (formerly Invitae), Labcorp
Classification: Likely benign for Autosomal recessive limb-girdle muscular dystrophy type 2Q; Epidermolysis bullosa simplex, Ogna type; Epidermolysis bullosa simplex with nail dystrophy; Epidermolysis bullosa simplex 5C, with pyloric atresia; Epidermolysis bullosa simplex 5B, with muscular dystrophy. Last evaluated: 2025-12-01. Review status: criteria provided, single submitter. Criteria: Invitae Variant Classification Sherloc (09022015). Collection method: clinical testing. Allele origin: germline.

PreventionGenetics, part of Exact Sciences
Classification: Likely benign for PLEC-related condition. Last evaluated: 2024-12-09. Review status: criteria provided, single submitter. Criteria: ACMG Guidelines, 2015. Collection method: clinical testing. Allele origin: germline.
Comment: This variant is classified as likely benign based on ACMG/AMP sequence variant interpretation guidelines (Richards et al. 2015 PMID: 25741868, with internal and published modifications).

CeGaT Center for Human Genetics Tuebingen
Classification: Likely benign. Last evaluated: 2018-07-01. Review status: criteria provided, single submitter. Criteria: CeGaT Center For Human Genetics Tuebingen Variant Classification Criteria Version 2. Collection method: clinical testing. Allele origin: germline. Affected: yes. Observed: 1 variant allele.

NM_201384.3(PLEC):c.2826C>T (p.Asp942=)

Gene: PLEC (plectin; minus strand). Cytogenetic location: 8q24.3.
Variant type: single nucleotide variant.
Coding change: c.2826C>T on transcript NM_201384.3 (MANE Select); coding-DNA position 2826, C replaced by T.
Protein change: p.Asp942=; no amino-acid change (aspartic acid 942 retained).
Molecular consequence: synonymous variant.
Genome position (GRCh38, 1-based): chr8:143,929,743, G>A on the plus strand (C>T on the coding strand, the complement: PLEC is on the minus strand). VCF-style: chr8-143929743-G-A. GRCh37 (hg19) VCF-style: chr8-145003911-G-A.
Other names: c.2907C>T, p.Asp969= (NM_000445.5); c.2784C>T, p.Asp928= (NM_201378.4); c.2760C>T, p.Asp920= (NM_201379.3); c.3237C>T, p.Asp1079= (NM_201380.4); c.2730C>T, p.Asp910= (NM_201381.3); c.2826C>T, p.Asp942= (NM_201382.4); c.2838C>T, p.Asp946= (NM_201383.3).
Identifiers: ClinVar variation 624345 (VCV000624345.52), dbSNP rs782158467, ClinGen allele CA4927334.